The following is an entry in ClinVar:

NM_182961.4(SYNE1):c.310-13C>T

Gene: SYNE1 (spectrin repeat containing nuclear envelope protein 1; minus strand). Cytogenetic location: 6q25.2.
Variant type: single nucleotide variant.
Coding change: c.310-13C>T on transcript NM_182961.4 (MANE Select); 13 bases into the intron before coding-DNA position 310, C replaced by T.
Molecular consequence: intron variant.
Genome position (GRCh38, 1-based): chr6:152,511,116, G>A on the plus strand (C>T on the coding strand, the complement: SYNE1 is on the minus strand). VCF-style: chr6-152511116-G-A. GRCh37 (hg19) VCF-style: chr6-152832251-G-A.
Other names: c.331-13C>T (NM_033071.5).
Identifiers: ClinVar variation 2506071 (VCV002506071.1), dbSNP rs1278080153, ClinGen allele CA571150171.

ClinVar aggregate classification (germline): Uncertain significance (1 of 4 stars; one submission).

Allele frequency attached by ClinVar (database versions not stated): gnomAD exomes 0.00001.
gnomAD v4.1: 3 of 1,605,774 alleles (0.00019%); highest among the groups gnomAD compares: Admixed American, 0.005%; no homozygotes.

Submission:

Women's Health and Genetics/Laboratory Corporation of America, LabCorp
Classification: Uncertain significance. Last evaluated: 2023-05-11. Review status: criteria provided, single submitter. Criteria: LabCorp Variant Classification Summary - May 2015. Collection method: clinical testing. Allele origin: germline.
Comment: Variant summary: SYNE1 c.331-13C>T alters a conserved nucleotide located close to a canonical splice site and therefore could affect mRNA splicing, leading to a significantly altered protein sequence. 4/4 computational tools predict no significant impact on normal splicing. However, these predictions have yet to be confirmed by functional studies. The variant allele was found at a frequency of 1.2e-05 in 251088 control chromosomes (gnomAD). The available data on variant occurrences in the general population are insufficient to allow any conclusion about variant significance. To our knowledge, no occurrence of c.331-13C>T in individuals affected with Emery-Dreifuss Muscular Dystrophy 4, Autosomal Dominant and no experimental evidence demonstrating its impact on protein function have been reported. No clinical diagnostic laboratories have submitted clinical-significance assessments for this variant to ClinVar after 2014. Based on the evidence outlined above, the variant was classified as uncertain significance.